The following is an entry in ClinVar:

ClinVar aggregate classification (germline): Benign/Likely benign. Review status: criteria provided, multiple submitters, no conflicts (2 of 4 stars). 6 submissions from 6 submitters: Benign (3); Likely benign (2). 1 of the submissions does not count toward it. Last evaluated 2026-01-28.

Conditions:
Cardiovascular phenotype. Identifiers: MedGen CN230736.
FLNC-related disorder. Also called: FLNC-related condition; FLNC-related disorders.
Myofibrillar myopathy 5. Also called: Filaminopathy (type); FILAMINOPATHY, AUTOSOMAL DOMINANT. Identifiers: Orphanet 171445, MedGen C1836050, MONDO:0012289, OMIM 609524.
Hypertrophic cardiomyopathy 26. Also called: Cardiomyopathy, familial hypertrophic, 26. Identifiers: Orphanet 75249, MedGen C4310749, MONDO:0014883, OMIM 617047.
Distal myopathy with posterior leg and anterior hand involvement. Also called: WILLIAMS DISTAL MYOPATHY. Identifiers: Orphanet 63273, MedGen C3279722, MONDO:0013550, OMIM 614065.

Allele frequency attached by ClinVar (database versions not stated): 1000 Genomes Project 0.00040; 1000 Genomes Project 30x 0.00047; ESP Exome Variant Server 0.00047; TOPMed 0.00050.
gnomAD v4.1: 113 of 1,613,892 alleles (0.007%); highest among the groups gnomAD compares: African/African-American, 0.1%; no homozygotes.

Submissions (6):

Labcorp Genetics (formerly Invitae), Labcorp
Classification: Benign for Distal myopathy with posterior leg and anterior hand involvement; Myofibrillar myopathy 5; Hypertrophic cardiomyopathy 26. Last evaluated: 2026-01-28. Review status: criteria provided, single submitter. Criteria: Invitae Variant Classification Sherloc (09022015). Collection method: clinical testing. Allele origin: germline.

Women's Health and Genetics/Laboratory Corporation of America, LabCorp
Classification: Benign. Last evaluated: 2025-06-16. Review status: criteria provided, single submitter. Criteria: LabCorp Variant Classification Summary - May 2015. Collection method: clinical testing. Allele origin: germline.

Molecular Diagnostic Laboratory for Inherited Cardiovascular Disease, Montreal Heart Institute
Classification: Likely benign. Last evaluated: 2025-04-09. Review status: criteria provided, single submitter. Criteria: ACMG Guidelines, 2015. Collection method: clinical testing. Allele origin: germline. Affected: no.

GeneDx
Classification: Benign. Last evaluated: 2021-06-08. Review status: criteria provided, single submitter. Criteria: GeneDx Variant Classification Process June 2021. Collection method: clinical testing. Allele origin: germline. Affected: yes.
Comment: This variant is associated with the following publications: (PMID: 27535533)

Ambry Genetics
Classification: Likely benign for Cardiovascular phenotype. Last evaluated: 2019-11-11. Review status: criteria provided, single submitter. Criteria: Ambry Variant Classification Scheme 2023. Collection method: clinical testing. Allele origin: germline.

PreventionGenetics, part of Exact Sciences
Classification: Likely benign for FLNC-related condition. Last evaluated: 2022-02-15. Review status: no assertion criteria provided. Collection method: clinical testing. Allele origin: germline. Not counted in ClinVar's aggregate classification.
Comment: This variant is classified as likely benign based on ACMG/AMP sequence variant interpretation guidelines (Richards et al. 2015 PMID: 25741868, with internal and published modifications).

NM_001458.5(FLNC):c.2199C>G (p.Thr733=)

Gene: FLNC (filamin C; plus strand). Cytogenetic location: 7q32.1.
Variant type: single nucleotide variant.
Coding change: c.2199C>G on transcript NM_001458.5 (MANE Select); coding-DNA position 2199, C replaced by G.
Protein change: p.Thr733=; no amino-acid change (threonine 733 retained).
Molecular consequence: synonymous variant.
Genome position (GRCh38, 1-based): chr7:128,842,308, C>G. VCF-style: chr7-128842308-C-G. GRCh37 (hg19) VCF-style: chr7-128482362-C-G.
Other names: c.2199C>G, p.Thr733= (NM_001127487.2).
Identifiers: ClinVar variation 472001 (VCV000472001.20), dbSNP rs200655185, ClinGen allele CA4474635.